The following is an entry in ClinVar:

ClinVar aggregate classification (germline): Uncertain significance (1 of 4 stars; one submission).

Conditions:
Chuvash polycythemia. Also called: POLYCYTHEMIA, VHL-DEPENDENT. Identifiers: Orphanet 238557, MedGen C1837915, MONDO:0009892, OMIM 263400.
Von Hippel-Lindau syndrome (VHLS). Also called: von Hippel–Lindau syndrome; Von Hippel-Lindau; VHL syndrome. Identifiers: Orphanet 892, MedGen C0019562, MONDO:0008667, OMIM 193300. Disease mechanism: loss of function.

Submission:

Labcorp Genetics (formerly Invitae), Labcorp
Classification: Uncertain significance for Von Hippel-Lindau syndrome; Chuvash polycythemia. Last evaluated: 2024-11-04. Review status: criteria provided, single submitter. Criteria: Invitae Variant Classification Sherloc (09022015). Collection method: clinical testing. Allele origin: germline.
Comment: This sequence change replaces glutamic acid, which is acidic and polar, with valine, which is neutral and non-polar, at codon 41 of the VHL protein (p.Glu41Val). This variant is not present in population databases (gnomAD no frequency). This variant has not been reported in the literature in individuals affected with VHL-related conditions. ClinVar contains an entry for this variant (Variation ID: 1008452). Invitae Evidence Modeling of protein sequence and biophysical properties (such as structural, functional, and spatial information, amino acid conservation, physicochemical variation, residue mobility, and thermodynamic stability) indicates that this missense variant is not expected to disrupt VHL protein function with a negative predictive value of 95%. In summary, the available evidence is currently insufficient to determine the role of this variant in disease. Therefore, it has been classified as a Variant of Uncertain Significance.

NM_000551.4(VHL):c.122A>T (p.Glu41Val)

Gene: VHL (von Hippel-Lindau tumor suppressor; plus strand). Cytogenetic location: 3p25.3.
Variant type: single nucleotide variant.
Coding change: c.122A>T on transcript NM_000551.4 (MANE Select); coding-DNA position 122, A replaced by T.
Protein change: p.Glu41Val; replaces glutamic acid 41 with valine.
Molecular consequence: missense variant.
Genome position (GRCh38, 1-based): chr3:10,141,969, A>T. VCF-style: chr3-10141969-A-T. GRCh37 (hg19) VCF-style: chr3-10183653-A-T.
Other names: c.122A>T, p.Glu41Val (NM_001354723.2, NM_198156.3); short protein forms E41V.
Identifiers: ClinVar variation 1008452 (VCV001008452.9), dbSNP rs1696122750, ClinGen allele CA351747936.